The following is an entry in ClinVar:

ClinVar aggregate classification (germline): Uncertain significance (1 of 4 stars; one submission).

Submission:

Women's Health and Genetics/Laboratory Corporation of America, LabCorp
Classification: Uncertain significance. Last evaluated: 2024-12-26. Review status: criteria provided, single submitter. Criteria: LabCorp Variant Classification Summary - May 2015. Collection method: clinical testing. Allele origin: germline.
Comment: Variant summary: EDNRB c.18T>G (p.Ser6Arg) results in a non-conservative amino acid change in the encoded protein sequence. Four of five in-silico tools predict a benign effect of the variant on protein function. The variant was absent in 233570 control chromosomes. The available data on variant occurrences in the general population are insufficient to allow any conclusion about variant significance. To our knowledge, no occurrence of c.18T>G in individuals affected with Waardenburg Syndrome Type 4A and no experimental evidence demonstrating its impact on protein function have been reported. No submitters have cited clinical-significance assessments for this variant to ClinVar. Based on the evidence outlined above, the variant was classified as uncertain significance.

NM_001122659.3(EDNRB):c.18T>G (p.Ser6Arg)

Gene: EDNRB (endothelin receptor type B; minus strand). Cytogenetic location: 13q22.3.
Variant type: single nucleotide variant.
Coding change: c.18T>G on transcript NM_001122659.3 (MANE Select); coding-DNA position 18, T replaced by G.
Protein change: p.Ser6Arg; replaces serine 6 with arginine.
Molecular consequence: missense variant.
Genome position (GRCh38, 1-based): chr13:77,918,556, A>C on the plus strand (T>G on the coding strand, the complement: EDNRB is on the minus strand). VCF-style: chr13-77918556-A-C. GRCh37 (hg19) VCF-style: chr13-78492691-A-C.
Other names: c.18T>G, p.Ser6Arg (NM_000115.5, NM_003991.4); c.288T>G, p.Ser96Arg (NM_001201397.2); short protein forms S6R, S96R.
Identifiers: ClinVar variation 3768412 (VCV003768412.1).
Genomic context (GRCh38, chr13:77,918,556, plus strand): 5'-TCCCCAGATCCGCGACAGGCCGCAGGCAAGAACCAGCGCAACCAGGGCGCGTCCGCACAG[A>C]CTTGGAGGCGGCTGCATGCTGCTACCTGCTCCAGAAGGCGTCCGGTGGCCGCTCCGCAGT-3'
Protein context (NP_001116131.1, residues 1-16): MQPPP[Ser6Arg]LCGRALVALV